The following is an entry in ClinVar:

ClinVar aggregate classification (germline): Uncertain significance. Review status: criteria provided, multiple submitters, no conflicts (2 of 4 stars). 2 submissions from 2 submitters: Uncertain significance (2). Last evaluated 2025-04-17.

Allele frequency attached by ClinVar (database versions not stated): gnomAD exomes 0.00008 and 0.00009; gnomAD 0.00009; TOPMed 0.00011; ExAC 0.00013; 1000 Genomes Project 30x 0.00016; 1000 Genomes Project 0.00020.
gnomAD v4.1: 137 of 1,568,506 alleles (0.0087%); highest among the groups gnomAD compares: Middle Eastern, 0.057%; no homozygotes.

Submissions (2):

Labcorp Genetics (formerly Invitae), Labcorp
Classification: Uncertain significance. Last evaluated: 2025-04-17. Review status: criteria provided, single submitter. Criteria: Invitae Variant Classification Sherloc (09022015). Collection method: clinical testing. Allele origin: germline.
Comment: This sequence change replaces phenylalanine, which is neutral and non-polar, with leucine, which is neutral and non-polar, at codon 562 of the MMP14 protein (p.Phe562Leu). This variant is present in population databases (rs561255366, gnomAD 0.01%). This variant has not been reported in the literature in individuals affected with MMP14-related conditions. ClinVar contains an entry for this variant (Variation ID: 1352998). An algorithm developed to predict the effect of missense changes on protein structure and function (PolyPhen-2) suggests that this variant is likely to be tolerated. In summary, the available evidence is currently insufficient to determine the role of this variant in disease. Therefore, it has been classified as a Variant of Uncertain Significance.

Breakthrough Genomics
Classification: Uncertain significance. Review status: criteria provided, single submitter. Criteria: ACMG Guidelines, 2015. Collection method: not provided. Allele origin: germline. Inheritance: Unknown mechanism. Affected: yes.

NM_004995.4(MMP14):c.1684T>C (p.Phe562Leu)

Gene: MMP14 (matrix metallopeptidase 14; plus strand). Cytogenetic location: 14q11.2.
Variant type: single nucleotide variant.
Coding change: c.1684T>C on transcript NM_004995.4 (MANE Select); coding-DNA position 1684, T replaced by C.
Protein change: p.Phe562Leu; replaces phenylalanine 562 with leucine.
Molecular consequence: missense variant.
Genome position (GRCh38, 1-based): chr14:22,845,974, T>C. VCF-style: chr14-22845974-T-C. GRCh37 (hg19) VCF-style: chr14-23315183-T-C.
Other names: short protein forms F562L.
Identifiers: ClinVar variation 1352998 (VCV001352998.7), dbSNP rs561255366, ClinGen allele CA7105544.
Genomic context (GRCh38, chr14:22,845,974, plus strand): 5'-GTGGTGCTGCCCGTGCTGCTGCTGCTCCTGGTGCTGGCGGTGGGCCTTGCAGTCTTCTTC[T>C]TCAGACGCCATGGGACCCCCAGGCGACTGCTCTACTGCCAGCGTTCCCTGCTGGACAAGG-3'
Protein context (NP_004986.1, residues 552-572): VLAVGLAVFF[Phe562Leu]RRHGTPRRLL